The following is an entry in ClinVar:

ClinVar aggregate classification (germline): Pathogenic (1 of 4 stars; one submission).

Conditions:
Primary ciliary dyskinesia 3. Identifiers: Orphanet 244, MedGen C1837618, MONDO:0012085, OMIM 608644.

Submission:

Myriad Genetics, Inc.
Classification: Pathogenic for Primary ciliary dyskinesia 3. Last evaluated: 2025-05-12. Review status: criteria provided, single submitter. Criteria: Myriad Autosomal Dominant, Autosomal Recessive and X-Linked Classification Criteria (2023). Collection method: clinical testing. Allele origin: unknown.
Comment: NM_001369.2(DNAH5):c.13525delG(D4509Tfs*13) is a frameshift variant classified as pathogenic in the context of primary ciliary dyskinesia, DNAH5-related. D4509Tfs*13 has not been observed in cases with relevant disease. Relevant functional assessments of this variant are not available in the literature. D4509Tfs*13 has not been observed in referenced population frequency databases. In summary, NM_001369.2(DNAH5):c.13525delG(D4509Tfs*13) is a frameshift variant in a gene where loss of function is a known mechanism of disease and is predicted to disrupt protein function. Please note: this variant was assessed in the context of healthy population screening.

NM_001369.3(DNAH5):c.13525del (p.Asp4509fs)

Gene: DNAH5 (dynein axonemal heavy chain 5; minus strand). Cytogenetic location: 5p15.2.
Variant type: Deletion.
Coding change: c.13525del on transcript NM_001369.3 (MANE Select); coding-DNA position 13525, one base deleted (G; older notation c.13525delG).
Protein change: p.Asp4509fs; shifts the reading frame from aspartic acid 4509.
Molecular consequence: frameshift variant.
Genome position (GRCh38, 1-based): chr5:13,700,838, C deleted on the plus strand (G on the coding strand, the reverse complement: DNAH5 is on the minus strand); the first of 2 consecutive C bases (chr5:13,700,838-13,700,839); deleting either gives the same sequence. VCF-style (leftmost placement, unchanged base first): chr5-13700837-TC-T. GRCh37 (hg19) VCF-style: chr5-13700946-TC-T.
Other names: short protein forms D4509fs.
Identifiers: ClinVar variation 4081629 (VCV004081629.1).